The following is an entry in ClinVar:

NM_001849.4(COL6A2):c.2422+6C>T

Gene: COL6A2 (collagen type VI alpha 2 chain; plus strand). Cytogenetic location: 21q22.3.
Variant type: single nucleotide variant.
Coding change: c.2422+6C>T on transcript NM_001849.4 (MANE Select); 6 bases into the intron after coding-DNA position 2422, C replaced by T.
Molecular consequence: intron variant.
Genome position (GRCh38, 1-based): chr21:46,126,243, C>T. VCF-style: chr21-46126243-C-T. GRCh37 (hg19) VCF-style: chr21-47546157-C-T.
Other names: c.2422+6C>T (NM_058175.3, NM_058174.3).
Identifiers: ClinVar variation 497375 (VCV000497375.14), dbSNP rs371950486, ClinGen allele CA10072559.
Genomic context (GRCh38, chr21:46,126,243, plus strand): 5'-TCCGACCTGGTCGCTGAGAAGTTCATCGATGACATGGAGGACGTCCTCTGCCCGGGTGAG[C>T]GTGTGGGCGCGGGGCAGTCGGCCGAGGAGCAGCAGGCCCCAGCCGCTGTCTAGCGTGAGC-3'

ClinVar aggregate classification (germline): Conflicting classifications of pathogenicity. Review status: criteria provided, conflicting classifications (1 of 4 stars). 3 submissions from 3 submitters: Uncertain significance (2); Likely benign (1). Last evaluated 2025-09-17.

Conditions:
Bethlem myopathy 1A. Also called: Bethlem myopathy 1; Bethlem Muscular Dystrophy; MYOPATHY, BENIGN CONGENITAL, WITH CONTRACTURES. Identifiers: Orphanet 610, MedGen CN029274, MONDO:0024530, OMIM 158810.

Allele frequency attached by ClinVar (database versions not stated): ExAC 0.00002; TOPMed 0.00002; gnomAD exomes 0.00003; gnomAD 0.00005 and 0.00006.
gnomAD v4.1: 51 of 1,597,780 alleles (0.0032%); highest among the groups gnomAD compares: Admixed American, 0.012%; 1 homozygote.

Submissions (3):

Labcorp Genetics (formerly Invitae), Labcorp
Classification: Uncertain significance for Bethlem myopathy 1A. Last evaluated: 2025-09-17. Review status: criteria provided, single submitter. Criteria: Invitae Variant Classification Sherloc (09022015). Collection method: clinical testing. Allele origin: germline.
Comment: This sequence change falls in intron 26 of the COL6A2 gene. It does not directly change the encoded amino acid sequence of the COL6A2 protein. It affects a nucleotide within the consensus splice site. This variant is present in population databases (rs371950486, gnomAD 0.003%). This variant has not been reported in the literature in individuals affected with COL6A2-related conditions. ClinVar contains an entry for this variant (Variation ID: 497375). Variants that disrupt the consensus splice site are a relatively common cause of aberrant splicing (PMID: 17576681, 9536098). Algorithms developed to predict the effect of sequence changes on RNA splicing suggest that this variant is not likely to affect RNA splicing. In summary, the available evidence is currently insufficient to determine the role of this variant in disease. Therefore, it has been classified as a Variant of Uncertain Significance.

Blueprint Genetics
Classification: Likely benign. Last evaluated: 2024-09-11. Review status: criteria provided, single submitter. Criteria: ACMG Guidelines, 2015. Collection method: clinical testing. Allele origin: germline.

Eurofins Ntd Llc (ga)
Classification: Uncertain significance. Last evaluated: 2016-10-18. Review status: criteria provided, single submitter. Criteria: EGL Classification Definitions 2015. Collection method: clinical testing. Allele origin: germline. Observed: 1 variant allele, 1 heterozygote.

Literature cited by the submitters: PubMed 17576681 (cited by Labcorp Genetics (formerly Invitae), Labcorp); PubMed 9536098 (cited by Labcorp Genetics (formerly Invitae), Labcorp).